The following is an entry in ClinVar:

NM_000285.4(PEPD):c.1131C>T (p.His377=)

Gene: PEPD (peptidase D; minus strand). Cytogenetic location: 19q13.11.
Variant type: single nucleotide variant.
Coding change: c.1131C>T on transcript NM_000285.4 (MANE Select); coding-DNA position 1131, C replaced by T.
Protein change: p.His377=; no amino-acid change (histidine 377 retained).
Molecular consequence: synonymous variant.
Genome position (GRCh38, 1-based): chr19:33,391,316, G>A on the plus strand (C>T on the coding strand, the complement: PEPD is on the minus strand). VCF-style: chr19-33391316-G-A. GRCh37 (hg19) VCF-style: chr19-33882222-G-A.
Other names: p.His377=; c.1008C>T, p.His336= (NM_001166056.2); c.939C>T, p.His313= (NM_001166057.2).
Identifiers: ClinVar variation 328799 (VCV000328799.21), dbSNP rs17569, ClinGen allele CA9364002.

ClinVar aggregate classification (germline): Benign/Likely benign. Review status: criteria provided, multiple submitters, no conflicts (2 of 4 stars). 8 submissions from 8 submitters: Benign (5); Likely benign (1). 2 of the submissions do not count toward it. Last evaluated 2026-02-04.

Conditions:
Prolidase deficiency. Identifiers: Orphanet 742, MedGen C0268532, MONDO:0008221, OMIM 170100.

Allele frequency attached by ClinVar (database versions not stated): gnomAD 0.10725 and 0.10913; gnomAD exomes 0.12930; ExAC 0.14844; 1000 Genomes Project 30x 0.09572; 1000 Genomes Project 0.09844; TOPMed 0.10190; ESP Exome Variant Server 0.10570.
gnomAD v4.1: 232,402 of 1,610,930 alleles (14%); highest among the groups gnomAD compares: East Asian, 24%; 18,295 homozygotes.

Submissions (8):

Labcorp Genetics (formerly Invitae), Labcorp
Classification: Benign. Last evaluated: 2026-02-04. Review status: criteria provided, single submitter. Criteria: Invitae Variant Classification Sherloc (09022015). Collection method: clinical testing. Allele origin: germline.

Blueprint Genetics
Classification: Likely benign. Last evaluated: 2024-11-28. Review status: criteria provided, single submitter. Criteria: ACMG Guidelines, 2015. Collection method: clinical testing. Allele origin: germline.

Mayo Clinic Laboratories, Mayo Clinic
Classification: Benign. Last evaluated: 2023-11-12. Review status: criteria provided, single submitter. Criteria: ACMG Guidelines, 2015. Collection method: clinical testing. Allele origin: germline. Observed: 121 variant alleles.

Illumina Laboratory Services, Illumina
Classification: Benign for Prolidase deficiency. Last evaluated: 2018-01-12. Review status: criteria provided, single submitter. Criteria: ICSL Variant Classification Criteria 13 December 2019. Collection method: clinical testing. Allele origin: germline.
Comment: This variant was observed in the ICSL laboratory as part of a predisposition screen in an ostensibly healthy population. It had not been previously curated by ICSL or reported in the Human Gene Mutation Database (HGMD: prior to June 1st, 2018), and was therefore a candidate for classification through an automated scoring system. Utilizing variant allele frequency, disease prevalence and penetrance estimates, and inheritance mode, an automated score was calculated to assess if this variant is too frequent to cause the disease. Based on the score and internal cut-off values, a variant classified as benign is not then subjected to further curation. The score for this variant resulted in a classification of benign for this disease.

Laboratory for Molecular Medicine, Mass General Brigham Personalized Medicine
Classification: Benign. Last evaluated: 2016-03-28. Review status: criteria provided, single submitter. Criteria: LMM Criteria. Collection method: clinical testing. Allele origin: germline.
Comment: Variant identified in a genome or exome case(s) and assessed due to predicted null impact of the variant or pathogenic assertions in the literature or databases. Disclaimer: This variant has not undergone full assessment. The following are preliminary notes: MAF

Breakthrough Genomics
Classification: Benign. Review status: criteria provided, single submitter. Criteria: ACMG Guidelines, 2015. Collection method: not provided. Allele origin: germline. Inheritance: Autosomal recessive inheritance. Affected: yes.

Clinical Genetics, Academic Medical Center
Classification: Benign. Review status: no assertion criteria provided. Collection method: clinical testing. Allele origin: germline. Affected: yes. Study: VKGL Data-share Consensus. Not counted in ClinVar's aggregate classification.

Diagnostic Laboratory, Department of Genetics, University Medical Center Groningen
Classification: Benign for Prolidase deficiency. Review status: no assertion criteria provided. Collection method: clinical testing. Allele origin: germline. Affected: yes. Study: VKGL Data-share Consensus. Not counted in ClinVar's aggregate classification.